The following is an entry in ClinVar:

ClinVar aggregate classification (germline): Uncertain significance. Review status: criteria provided, multiple submitters, no conflicts (2 of 4 stars). 3 submissions from 3 submitters: Uncertain significance (3). Last evaluated 2024-10-11.

Conditions:
Inborn genetic diseases. Identifiers: MedGen C0950123, MeSH D030342.

Allele frequency attached by ClinVar (database versions not stated): TOPMed 0.00001.

Submissions (3):

GeneDx
Classification: Uncertain significance. Last evaluated: 2024-10-11. Review status: criteria provided, single submitter. Criteria: GeneDx Variant Classification Process June 2021. Collection method: clinical testing. Allele origin: germline. Affected: yes.
Comment: Not observed at significant frequency in large population cohorts (gnomAD); In silico analysis indicates that this missense variant does not alter protein structure/function; Has not been previously published as pathogenic or benign to our knowledge

Labcorp Genetics (formerly Invitae), Labcorp
Classification: Uncertain significance. Last evaluated: 2022-08-05. Review status: criteria provided, single submitter. Criteria: Invitae Variant Classification Sherloc (09022015). Collection method: clinical testing. Allele origin: germline.
Comment: In summary, the available evidence is currently insufficient to determine the role of this variant in disease. Therefore, it has been classified as a Variant of Uncertain Significance. Algorithms developed to predict the effect of missense changes on protein structure and function are either unavailable or do not agree on the potential impact of this missense change (SIFT: "Tolerated"; PolyPhen-2: "Possibly Damaging"; Align-GVGD: "Class C0"). This variant has not been reported in the literature in individuals affected with MYO6-related conditions. This variant is not present in population databases (gnomAD no frequency). This sequence change replaces valine, which is neutral and non-polar, with aspartic acid, which is acidic and polar, at codon 1002 of the MYO6 protein (p.Val1002Asp).

Ambry Genetics
Classification: Uncertain significance for Inborn genetic diseases. Last evaluated: 2022-05-11. Review status: criteria provided, single submitter. Criteria: Ambry Variant Classification Scheme 2023. Collection method: clinical testing. Allele origin: germline.

NM_004999.4(MYO6):c.3005T>A (p.Val1002Asp)

Gene: MYO6 (myosin VI; plus strand). Cytogenetic location: 6q14.1.
Variant type: single nucleotide variant.
Coding change: c.3005T>A on transcript NM_004999.4 (MANE Select); coding-DNA position 3005, T replaced by A.
Protein change: p.Val1002Asp; replaces valine 1002 with aspartic acid.
Molecular consequence: missense variant. On other transcripts: non-coding transcript variant (1).
Genome position (GRCh38, 1-based): chr6:75,892,588, T>A. VCF-style: chr6-75892588-T-A. GRCh37 (hg19) VCF-style: chr6-76602305-T-A.
Other names: c.3005T>A (NM_004999.3); c.3005T>A, p.Val1002Asp (NM_001300899.2, NM_001368136.1, NM_001368137.1 and 2 more transcripts); c.2990T>A, p.Val997Asp (NM_001368138.1); short protein forms V1002D, V997D.
Identifiers: ClinVar variation 2177284 (VCV002177284.6), dbSNP rs1778984076, ClinGen allele CA364778415.